The following is an entry in ClinVar:

ClinVar aggregate classification (germline): Pathogenic (1 of 4 stars; one submission).

Submission:

Quest Diagnostics Nichols Institute San Juan Capistrano
Classification: Pathogenic. Last evaluated: 2025-06-23. Review status: criteria provided, single submitter. Criteria: ACMG/ClinGen CNV Guidelines, 2019. Collection method: clinical testing. Allele origin: unknown.
Comment: This duplication involves at least 48 protein-coding genes, including TBX1 (OMIM 602054). This recurrent duplication of 22q11.2 extending from low copy number repeats (LCRs) A to D is associated with 22q11.2 duplication syndrome (OMIM 608363; ISCA-37446; Bartik 2022, Yu 2019), which is characterized by a broad range of features. However, clinical presentation is highly variable, even within families, and a proportion of these duplications are inherited from an unaffected parent, suggesting incomplete penetrance. Therefore, this copy number variant (CNV) is classified as pathogenic, with incomplete penetrance and variable expressivity. References: Bartik et al., Am J Med Genet A. 2022 Mar;188(3):779-787. PMID: 34845825. Yu et al., Am J Med Genet A. 2019 Nov;179(11):2178-2189.PMID: 31479204

GRCh37/hg19 22q11.21(chr22:18916827-21465659)x3

Genes: AIFM3 (AIF family member 3; plus strand), ARVCF (ARVCF delta catenin family member; minus strand), C22orf39 (chromosome 22 open reading frame 39; minus strand), CDC45 (cell division cycle 45; plus strand), CLDN5 (claudin 5; minus strand) and 41 more. Cytogenetic location: 22q11.21.
Variant type: copy number gain.
Change: copy number 3 (three copies instead of two) of chr22:18,916,827-21,465,659 (2.55 Mb, GRCh37 coordinates, 1-based), cytogenetic band 22q11.21.
Identifiers: ClinVar variation 565036 (VCV000565036.4).